The following is an entry in ClinVar:

NM_002470.4(MYH3):c.3062T>C (p.Leu1021Ser)

Gene: MYH3 (myosin heavy chain 3; minus strand). Cytogenetic location: 17p13.1.
Variant type: single nucleotide variant.
Coding change: c.3062T>C on transcript NM_002470.4 (MANE Select); coding-DNA position 3062, T replaced by C.
Protein change: p.Leu1021Ser; replaces leucine 1021 with serine.
Molecular consequence: missense variant.
Genome position (GRCh38, 1-based): chr17:10,639,338, A>G on the plus strand (T>C on the coding strand, the complement: MYH3 is on the minus strand). VCF-style: chr17-10639338-A-G. GRCh37 (hg19) VCF-style: chr17-10542655-A-G.
Other names: short protein forms L1021S.
Identifiers: ClinVar variation 2072003 (VCV002072003.29), dbSNP rs555880397, ClinGen allele CA287784484.
Genomic context (GRCh38, chr17:10,639,338, plus strand): 5'-GATGAGCATTATTTACTTACGTCTTCCACTTGCTGTTCCAGTTTGCTCTTGGTTTTGTTC[A>G]AAGAATTGACTTTGTCTTCTTCAGCTTGGAGGTCATCCAAGGCCTGCTGGTGCGCCTCTT-3'
Protein context (NP_002461.2, residues 1011-1031): LQAEEDKVNS[Leu1021Ser]NKTKSKLEQQ

ClinVar aggregate classification (germline): Uncertain significance. Review status: criteria provided, multiple submitters, no conflicts (2 of 4 stars). 3 submissions from 3 submitters: Uncertain significance (3). Last evaluated 2024-06-13.

Allele frequency attached by ClinVar (database versions not stated): gnomAD 0.00001; TOPMed 0.00002; gnomAD exomes 0.00004.
gnomAD v4.1: 62 of 1,614,046 alleles (0.0038%); highest among the groups gnomAD compares: Non-Finnish European, 0.0051%; no homozygotes.

Submissions (3):

Women's Health and Genetics/Laboratory Corporation of America, LabCorp
Classification: Uncertain significance. Last evaluated: 2024-06-13. Review status: criteria provided, single submitter. Criteria: LabCorp Variant Classification Summary - May 2015. Collection method: clinical testing. Allele origin: germline.
Comment: Variant summary: MYH3 c.3062T>C (p.Leu1021Ser) results in a non-conservative amino acid change located in the Myosin tail domain (IPR002928) of the encoded protein sequence. Five of five in-silico tools predict a damaging effect of the variant on protein function. The variant allele was found at a frequency of 1.6e-05 in 251448 control chromosomes. The available data on variant occurrences in the general population are insufficient to allow any conclusion about variant significance. To our knowledge, no occurrence of c.3062T>C in individuals affected with MYH3-Related Disorders and no experimental evidence demonstrating its impact on protein function have been reported. ClinVar contains an entry for this variant (Variation ID: 2072003). Based on the evidence outlined above, the variant was classified as uncertain significance.

CeGaT Center for Human Genetics Tuebingen
Classification: Uncertain significance. Last evaluated: 2022-07-01. Review status: criteria provided, single submitter. Criteria: CeGaT Center For Human Genetics Tuebingen Variant Classification Criteria Version 2. Collection method: clinical testing. Allele origin: germline. Affected: yes. Observed: 1 variant allele.

Labcorp Genetics (formerly Invitae), Labcorp
Classification: Uncertain significance. Last evaluated: 2022-02-04. Review status: criteria provided, single submitter. Criteria: Invitae Variant Classification Sherloc (09022015). Collection method: clinical testing. Allele origin: germline.
Comment: This sequence change replaces leucine, which is neutral and non-polar, with serine, which is neutral and polar, at codon 1021 of the MYH3 protein (p.Leu1021Ser). This variant is present in population databases (rs555880397, gnomAD 0.004%). This variant has not been reported in the literature in individuals affected with MYH3-related conditions. Algorithms developed to predict the effect of missense changes on protein structure and function (SIFT, PolyPhen-2, Align-GVGD) all suggest that this variant is likely to be disruptive. In summary, the available evidence is currently insufficient to determine the role of this variant in disease. Therefore, it has been classified as a Variant of Uncertain Significance.